The following is an entry in ClinVar:

ClinVar aggregate classification (germline): Conflicting classifications of pathogenicity. Review status: criteria provided, conflicting classifications (1 of 4 stars). 8 submissions from 8 submitters: Uncertain significance (5); Likely benign (1). 2 of the submissions do not count toward it. Last evaluated 2025-12-01.

Conditions:
BARD1-related disorder. Also called: BARD1-related condition.
Hereditary cancer-predisposing syndrome. Also called: Hereditary Cancer Syndrome; Hereditary neoplastic syndrome; Neoplastic Syndromes, Hereditary; Tumor predisposition. Identifiers: Orphanet 140162, MedGen C0027672, MeSH D009386, MONDO:0015356.
Familial cancer of breast. Also called: Hereditary breast cancer; BREAST CANCER, FAMILIAL; hereditary breast carcinoma. Identifiers: Orphanet 227535, MedGen C0346153, MONDO:0016419, OMIM 114480. Disease mechanism: loss of function.
Malignant tumor of breast. Also called: Cancer breast; Malignant breast neoplasm. Identifiers: MedGen C0006142, MONDO:0007254. Disease mechanism: loss of function.

gnomAD v4.1: 1 of 1,614,094 alleles (0.000062%); no homozygotes.

Submissions (8):

KCCC/NGS Laboratory, Kuwait Cancer Control Center
Classification: Uncertain significance for Familial cancer of breast. Last evaluated: 2025-12-01. Review status: criteria provided, single submitter. Criteria: ACMG Guidelines, 2015. Collection method: clinical testing. Allele origin: germline. Inheritance: Autosomal dominant inheritance. Affected: yes.
Comment: the available evidence is currently insufficient to determine the role of this variant in disease. Therefore, it has been classified as a Variant of Uncertain Significance.

Labcorp Genetics (formerly Invitae), Labcorp
Classification: Uncertain significance for Familial cancer of breast. Last evaluated: 2025-10-06. Review status: criteria provided, single submitter. Criteria: Invitae Variant Classification Sherloc (09022015). Collection method: clinical testing. Allele origin: germline.
Comment: This sequence change replaces serine, which is neutral and polar, with threonine, which is neutral and polar, at codon 354 of the BARD1 protein (p.Ser354Thr). This variant is not present in population databases (gnomAD no frequency). This variant has not been reported in the literature in individuals affected with BARD1-related conditions. ClinVar contains an entry for this variant (Variation ID: 216437). An algorithm developed to predict the effect of missense changes on protein structure and function (PolyPhen-2) suggests that this variant is likely to be tolerated. In summary, the available evidence is currently insufficient to determine the role of this variant in disease. Therefore, it has been classified as a Variant of Uncertain Significance.

Ambry Genetics
Classification: Likely benign for Hereditary cancer-predisposing syndrome. Last evaluated: 2025-05-03. Review status: criteria provided, single submitter. Criteria: Ambry Variant Classification Scheme 2023. Collection method: clinical testing. Allele origin: germline.

GeneDx
Classification: Uncertain significance. Last evaluated: 2023-03-10. Review status: criteria provided, single submitter. Criteria: GeneDx Variant Classification Process June 2021. Collection method: clinical testing. Allele origin: germline. Affected: yes.
Comment: Not observed at significant frequency in large population cohorts (gnomAD); In silico analysis supports that this missense variant does not alter protein structure/function; Has not been previously published as pathogenic or benign to our knowledge; This variant is associated with the following publications: (PMID: 28569743)

Sema4
Classification: Uncertain significance for Hereditary cancer-predisposing syndrome. Last evaluated: 2021-11-15. Review status: criteria provided, single submitter. Criteria: Sema4 Curation Guidelines. Collection method: curation. Allele origin: germline.
Comment: To the best of our knowledge, the BARD1 c.1060T>A (p.S354T) variant has not been reported in individuals with BARD1-related disease. It was not observed in the large and broad cohorts of the Genome Aggregation Database. The variant has been reported in ClinVar (Variation ID: 216437). In silico tools suggest the impact of the variant on protein function is benign, though these predictions have not been confirmed by functional studies. The evidence is insufficient to meet ACMG/AMP criteria for classifying the variant as benign or pathogenic. Thus, the clinical significance of this variant is currently uncertain.

Color Diagnostics, LLC DBA Color Health
Classification: Uncertain significance for Hereditary cancer-predisposing syndrome. Last evaluated: 2020-07-27. Review status: criteria provided, single submitter. Criteria: ACMG Guidelines, 2015. Collection method: clinical testing. Allele origin: germline.
Comment: This missense variant replaces serine with threonine at codon 354 of the BARD1 protein. Computational prediction suggests that this variant may not impact protein structure and function (internally defined REVEL score threshold <= 0.5, PMID: 27666373). Splice site prediction tools suggest that this variant may not impact RNA splicing. To our knowledge, functional studies have not been performed for this variant. This variant has not been reported in individuals affected with hereditary cancer in the literature. This variant has not been identified in the general population by the Genome Aggregation Database (gnomAD). The available evidence is insufficient to determine the role of this variant in disease conclusively. Therefore, this variant is classified as a Variant of Uncertain Significance.

PreventionGenetics, part of Exact Sciences
Classification: Uncertain significance for BARD1-related condition. Last evaluated: 2024-06-24. Review status: no assertion criteria provided. Collection method: clinical testing. Allele origin: germline. Not counted in ClinVar's aggregate classification.
Comment: The BARD1 c.1060T>A variant is predicted to result in the amino acid substitution p.Ser354Thr. To our knowledge, this variant has not been reported in the literature or in gnomAD, indicating this variant is rare. It is reported as a variant of uncertain significance in ClinVar. At this time, the clinical significance of this variant is uncertain due to the absence of conclusive functional and genetic evidence.

Department of Pathology and Laboratory Medicine, Sinai Health System
Classification: Uncertain significance for Malignant tumor of breast. Review status: no assertion criteria provided. Collection method: clinical testing. Allele origin: unknown. Affected: yes. Observed: 2 variant alleles. Study: The Canadian Open Genetics Repository (COGR). Not counted in ClinVar's aggregate classification.
Comment: The BARD1 p.Ser354Thr variant was not identified in the literature, nor was it identified in the Cosmic, MutDB, or Zhejiang Colon Cancer Database. The variant was identified in dbSNP (ID: rs863224670) as â€šÃ„ÃºWith Uncertain significance alleleâ€šÃ„Ã¹, and in the ClinVar and Clinvitae databases as uncertain significance (Ambry Genetics and Invitae). The variant was not identified in the 1000 Genomes Project, the NHLBI GO Exome Sequencing Project or the Exome Aggregation Consortium (August 8th 2016) control databases. The p.Ser354Thr residue is not conserved in mammals and computational analyses (PolyPhen-2, SIFT, AlignGVGD, BLOSUM, MutationTaster) do not suggest a high likelihood of impact to the protein; however, this information is not predictive enough to rule out pathogenicity. The variant occurs outside of the splicing consensus sequence and in silico or computational prediction software programs (SpliceSiteFinder, MaxEntScan, NNSPLICE, GeneSplicer, HumanSpliceFinder) do not predict a difference in splicing. In summary, based on the above information the clinical significance of this variant cannot be determined with certainty at this time. This variant is classified as a variant of uncertain significance.

NM_000465.4(BARD1):c.1060T>A (p.Ser354Thr)

Gene: BARD1 (BRCA1 associated RING domain 1; minus strand). Cytogenetic location: 2q35.
Variant type: single nucleotide variant.
Coding change: c.1060T>A on transcript NM_000465.4 (MANE Select); coding-DNA position 1060, T replaced by A.
Protein change: p.Ser354Thr; replaces serine 354 with threonine.
Molecular consequence: missense variant. On other transcripts: non-coding transcript variant (2), intron variant (3).
Genome position (GRCh38, 1-based): chr2:214,780,814, A>T on the plus strand (T>A on the coding strand, the complement: BARD1 is on the minus strand). VCF-style: chr2-214780814-A-T. GRCh37 (hg19) VCF-style: chr2-215645538-A-T.
Other names: c.1003T>A, p.Ser335Thr (NM_001282543.2); c.159-28259T>A (NM_001282548.2); c.215+16247T>A (NM_001282545.2); c.364+11483T>A (NM_001282549.2); short protein forms S354T, S335T.
Identifiers: ClinVar variation 216437 (VCV000216437.30), dbSNP rs863224670, ClinGen allele CA337598.